The following is an entry in ClinVar:

NM_014714.4(IFT140):c.1529C>T (p.Thr510Ile)

Gene: IFT140 (intraflagellar transport 140; minus strand). Cytogenetic location: 16p13.3.
Variant type: single nucleotide variant.
Coding change: c.1529C>T on transcript NM_014714.4 (MANE Select); coding-DNA position 1529, C replaced by T.
Protein change: p.Thr510Ile; replaces threonine 510 with isoleucine.
Molecular consequence: missense variant.
Genome position (GRCh38, 1-based): chr16:1,571,530, G>A on the plus strand (C>T on the coding strand, the complement: IFT140 is on the minus strand). VCF-style: chr16-1571530-G-A. GRCh37 (hg19) VCF-style: chr16-1621531-G-A.
Other names: short protein forms T510I.
Identifiers: ClinVar variation 2072976 (VCV002072976.4), dbSNP rs2507423839, ClinGen allele CA394209538.

ClinVar aggregate classification (germline): Uncertain significance (1 of 4 stars; one submission).

Conditions:
Saldino-Mainzer syndrome (SRTD9). Also called: CONORENAL SYNDROME; Renal dysplasia, retinal pigmentary dystrophy, cerebellar ataxia and skeletal dysplasia; SHORT-RIB THORACIC DYSPLASIA 9 WITHOUT POLYDACTYLY; short-rib thoracic dysplasia 9 with or without polydactyly. Identifiers: Orphanet 140969, MedGen C1849437, MONDO:0009964, OMIM 266920.

Submission:

Labcorp Genetics (formerly Invitae), Labcorp
Classification: Uncertain significance for Saldino-Mainzer syndrome. Last evaluated: 2023-11-27. Review status: criteria provided, single submitter. Criteria: Invitae Variant Classification Sherloc (09022015). Collection method: clinical testing. Allele origin: germline.
Comment: This sequence change replaces threonine, which is neutral and polar, with isoleucine, which is neutral and non-polar, at codon 510 of the IFT140 protein (p.Thr510Ile). This variant is not present in population databases (gnomAD no frequency). This variant has not been reported in the literature in individuals affected with IFT140-related conditions. ClinVar contains an entry for this variant (Variation ID: 2072976). Advanced modeling of protein sequence and biophysical properties (such as structural, functional, and spatial information, amino acid conservation, physicochemical variation, residue mobility, and thermodynamic stability) performed at Invitae indicates that this missense variant is not expected to disrupt IFT140 protein function with a negative predictive value of 80%. In summary, the available evidence is currently insufficient to determine the role of this variant in disease. Therefore, it has been classified as a Variant of Uncertain Significance.